The following is an entry in ClinVar:

ClinVar aggregate classification (germline): Uncertain significance (1 of 4 stars; one submission).

Conditions:
Bifunctional peroxisomal enzyme deficiency (DBIF). Also called: DBP DEFICIENCY; PBFE DEFICIENCY; D-bifunctional protein deficiency. Identifiers: Orphanet 300, MedGen C0342870, MONDO:0009855, OMIM 261515. Disease mechanism: loss of function.
Perrault syndrome. Also called: Gonadal dysgenesis with auditory dysfunction, autosomal recessive inheritance. Identifiers: Orphanet 2855, MedGen C0685838, MONDO:0017312.

Submission:

Labcorp Genetics (formerly Invitae), Labcorp
Classification: Uncertain significance for Perrault syndrome; Bifunctional peroxisomal enzyme deficiency. Last evaluated: 2022-02-11. Review status: criteria provided, single submitter. Criteria: Invitae Variant Classification Sherloc (09022015). Collection method: clinical testing. Allele origin: germline.
Comment: In summary, the available evidence is currently insufficient to determine the role of this variant in disease. Therefore, it has been classified as a Variant of Uncertain Significance. Advanced modeling of protein sequence and biophysical properties (such as structural, functional, and spatial information, amino acid conservation, physicochemical variation, residue mobility, and thermodynamic stability) performed at Invitae indicates that this missense variant is expected to disrupt HSD17B4 protein function. This variant has not been reported in the literature in individuals affected with HSD17B4-related conditions. This variant is not present in population databases (gnomAD no frequency). This sequence change replaces serine, which is neutral and polar, with leucine, which is neutral and non-polar, at codon 475 of the HSD17B4 protein (p.Ser475Leu).

NM_000414.4(HSD17B4):c.1424C>T (p.Ser475Leu)

Gene: HSD17B4 (hydroxysteroid 17-beta dehydrogenase 4; plus strand). Cytogenetic location: 5q23.1.
Variant type: single nucleotide variant.
Coding change: c.1424C>T on transcript NM_000414.4 (MANE Select); coding-DNA position 1424, C replaced by T.
Protein change: p.Ser475Leu; replaces serine 475 with leucine.
Molecular consequence: missense variant. On other transcripts: non-coding transcript variant (2).
Genome position (GRCh38, 1-based): chr5:119,509,231, C>T. VCF-style: chr5-119509231-C-T. GRCh37 (hg19) VCF-style: chr5-118844926-C-T.
Other names: c.1499C>T, p.Ser500Leu (NM_001199291.3); c.1370C>T, p.Ser457Leu (NM_001199292.2); c.1352C>T, p.Ser451Leu (NM_001292027.2, NM_001374498.1); c.1004C>T, p.Ser335Leu (NM_001292028.2); c.1415C>T, p.Ser472Leu (NM_001374497.1); c.1097C>T, p.Ser366Leu (NM_001374499.1); c.983C>T, p.Ser328Leu (NM_001374500.1); c.1013C>T, p.Ser338Leu (NM_001374501.1, NM_001374502.1, NM_001374503.1); short protein forms S328L, S338L, S451L, S457L, S366L, S472L, S335L, S475L.
Identifiers: ClinVar variation 2096963 (VCV002096963.4), dbSNP rs1751944228, ClinGen allele CA360868846.